The following is an entry in ClinVar:

NM_003265.3(TLR3):c.752G>A (p.Arg251Gln)

Gene: TLR3 (toll like receptor 3; plus strand). Cytogenetic location: 4q35.1.
Variant type: single nucleotide variant.
Coding change: c.752G>A on transcript NM_003265.3 (MANE Select); coding-DNA position 752, G replaced by A.
Protein change: p.Arg251Gln; replaces arginine 251 with glutamine.
Molecular consequence: missense variant.
Genome position (GRCh38, 1-based): chr4:186,082,438, G>A. VCF-style: chr4-186082438-G-A. GRCh37 (hg19) VCF-style: chr4-187003592-G-A.
Other names: short protein forms R251Q.
Identifiers: ClinVar variation 1997461 (VCV001997461.4), dbSNP rs539192081, ClinGen allele CA3161305.
Genomic context (GRCh38, chr4:186,082,438, plus strand): 5'-TCCAGCTGGGTCCCAGCCTTACAGAGAAGCTATGTTTGGAATTAGCAAACACAAGCATTC[G>A]GAATCTGTCTCTGAGTAACAGCCAGCTGTCCACCACCAGCAATACAACTTTCTTGGGACT-3'
Protein context (NP_003256.1, residues 241-261): LCLELANTSI[Arg251Gln]NLSLSNSQLS

ClinVar aggregate classification (germline): Uncertain significance (1 of 4 stars; one submission).

Conditions:
Encephalopathy, acute, infection-induced (herpes-specific), susceptibility to, 1. Also called: Herpes simplex encephalitis, susceptibility to, 1. Identifiers: Orphanet 1930, MedGen C2750180, MONDO:0024563, OMIM 610551.

Allele frequency attached by ClinVar (database versions not stated): gnomAD exomes 0.00001; ExAC 0.00001; TOPMed 0.00002; 1000 Genomes Project 0.00020; gnomAD 0.00001; 1000 Genomes Project 30x 0.00016.

Submission:

Labcorp Genetics (formerly Invitae), Labcorp
Classification: Uncertain significance for Encephalopathy, acute, infection-induced (herpes-specific), susceptibility to, 1. Last evaluated: 2023-12-11. Review status: criteria provided, single submitter. Criteria: Invitae Variant Classification Sherloc (09022015). Collection method: clinical testing. Allele origin: germline.
Comment: This sequence change replaces arginine, which is basic and polar, with glutamine, which is neutral and polar, at codon 251 of the TLR3 protein (p.Arg251Gln). This variant is present in population databases (rs539192081, gnomAD 0.006%). This variant has not been reported in the literature in individuals affected with TLR3-related conditions. ClinVar contains an entry for this variant (Variation ID: 1997461). Algorithms developed to predict the effect of missense changes on protein structure and function output the following: SIFT: "Not Available"; PolyPhen-2: "Benign"; Align-GVGD: "Not Available". The glutamine amino acid residue is found in multiple mammalian species, which suggests that this missense change does not adversely affect protein function. In summary, the available evidence is currently insufficient to determine the role of this variant in disease. Therefore, it has been classified as a Variant of Uncertain Significance.